The following is an entry in ClinVar:

NM_001199397.3(NEK1):c.1075T>A (p.Ser359Thr)

Gene: NEK1 (NIMA related kinase 1; minus strand). Cytogenetic location: 4q33.
Variant type: single nucleotide variant.
Coding change: c.1075T>A on transcript NM_001199397.3 (MANE Select); coding-DNA position 1075, T replaced by A.
Protein change: p.Ser359Thr; replaces serine 359 with threonine.
Molecular consequence: missense variant. On other transcripts: non-coding transcript variant (2).
Genome position (GRCh38, 1-based): chr4:169,562,142, A>T on the plus strand (T>A on the coding strand, the complement: NEK1 is on the minus strand). VCF-style: chr4-169562142-A-T. GRCh37 (hg19) VCF-style: chr4-170483293-A-T.
Other names: c.1075T>A, p.Ser359Thr (NM_001199398.3, NM_001199399.3, NM_001199400.3 and 7 more transcripts); short protein forms S359T.
Identifiers: ClinVar variation 2709477 (VCV002709477.3), dbSNP rs2546795074, ClinGen allele CA358734689.

ClinVar aggregate classification (germline): Uncertain significance (1 of 4 stars; one submission).

Conditions:
Short-rib thoracic dysplasia 6 with or without polydactyly (SRTD6). Also called: Majewski Syndrome; SHORT-RIB THORACIC DYSPLASIA 6 WITH POLYDACTYLY; SHORT-RIB THORACIC DYSPLASIA 6 WITHOUT POLYDACTYLY; POLYDACTYLY WITH NEONATAL CHONDRODYSTROPHY, TYPE II; SHORT RIB-POLYDACTYLY SYNDROME, TYPE IIA. Identifiers: MedGen C0024507, MONDO:0009894, OMIM 263520.

Submission:

Labcorp Genetics (formerly Invitae), Labcorp
Classification: Uncertain significance for Short-rib thoracic dysplasia 6 with or without polydactyly. Last evaluated: 2024-09-23. Review status: criteria provided, single submitter. Criteria: Invitae Variant Classification Sherloc (09022015). Collection method: clinical testing. Allele origin: germline.
Comment: This sequence change replaces serine, which is neutral and polar, with threonine, which is neutral and polar, at codon 359 of the NEK1 protein (p.Ser359Thr). This variant is not present in population databases (gnomAD no frequency). This variant has not been reported in the literature in individuals affected with NEK1-related conditions. Invitae Evidence Modeling of protein sequence and biophysical properties (such as structural, functional, and spatial information, amino acid conservation, physicochemical variation, residue mobility, and thermodynamic stability) indicates that this missense variant is not expected to disrupt NEK1 protein function with a negative predictive value of 95%. In summary, the available evidence is currently insufficient to determine the role of this variant in disease. Therefore, it has been classified as a Variant of Uncertain Significance.